The following is an entry in ClinVar:

NM_022765.4(MICAL1):c.2156G>A (p.Arg719Gln)

Gene: MICAL1 (microtubule associated monooxygenase, calponin and LIM domain containing 1; minus strand). Cytogenetic location: 6q21.
Variant type: single nucleotide variant.
Coding change: c.2156G>A on transcript NM_022765.4 (MANE Select); coding-DNA position 2156, G replaced by A.
Protein change: p.Arg719Gln; replaces arginine 719 with glutamine.
Molecular consequence: missense variant.
Genome position (GRCh38, 1-based): chr6:109,447,144, C>T on the plus strand (G>A on the coding strand, the complement: MICAL1 is on the minus strand). VCF-style: chr6-109447144-C-T. GRCh37 (hg19) VCF-style: chr6-109768347-C-T.
Other names: c.1898G>A, p.Arg633Gln (NM_001159291.2); c.2213G>A, p.Arg738Gln (NM_001286613.2); short protein forms R738Q, R633Q, R719Q.
Identifiers: ClinVar variation 1507951 (VCV001507951.6), dbSNP rs375968194, ClinGen allele CA3953042.

ClinVar aggregate classification (germline): Uncertain significance (1 of 4 stars; one submission).

Allele frequency attached by ClinVar (database versions not stated): gnomAD 0.00003; gnomAD exomes 0.00004 and 0.00005; TOPMed 0.00005; ExAC 0.00007; ESP Exome Variant Server 0.00008.
gnomAD v4.1: 61 of 1,614,054 alleles (0.0038%); highest among the groups gnomAD compares: Admixed American, 0.018%; no homozygotes.

Submission:

Labcorp Genetics (formerly Invitae), Labcorp
Classification: Uncertain significance. Last evaluated: 2025-11-18. Review status: criteria provided, single submitter. Criteria: Invitae Variant Classification Sherloc (09022015). Collection method: clinical testing. Allele origin: germline.
Comment: This sequence change replaces arginine, which is basic and polar, with glutamine, which is neutral and polar, at codon 738 of the MICAL1 protein (p.Arg738Gln). This variant is present in population databases (rs375968194, gnomAD 0.02%). This variant has not been reported in the literature in individuals affected with MICAL1-related conditions. ClinVar contains an entry for this variant (Variation ID: 1507951). An algorithm developed to predict the effect of missense changes on protein structure and function (PolyPhen-2) suggests that this variant is likely to be disruptive. Algorithms developed to predict the effect of sequence changes on RNA splicing suggest that this variant may create or strengthen a splice site. In summary, the available evidence is currently insufficient to determine the role of this variant in disease. Therefore, it has been classified as a Variant of Uncertain Significance.